The following is an entry in ClinVar:

ClinVar aggregate classification (germline): Conflicting classifications of pathogenicity. Review status: criteria provided, conflicting classifications (1 of 4 stars). 16 submissions from 16 submitters: Uncertain significance (6); Benign (1); Likely benign (6). 3 of the submissions do not count toward it. Last evaluated 2026-03-01.

Conditions:
Charcot-Marie-Tooth disease type 4. Also called: Charcot-Marie-Tooth disease, type IV; Charcot-Marie-Tooth, Type 4. Identifiers: Orphanet 64749, MedGen C4082197, MONDO:0018995.
Charcot-Marie-Tooth disease. Also called: Charcot-Marie-Tooth Hereditary Neuropathy; Charcot-Marie-Tooth Neuropathy. Identifiers: Orphanet 166, MedGen C0007959, MONDO:0015626.
Charcot-Marie-Tooth disease type 4F. Also called: Charcot-Marie-Tooth disease, demyelinating, type 4F. Identifiers: Orphanet 99952, MedGen C3540453, MONDO:0013959, OMIM 614895.
PRX-related disorder. Also called: PRX-related condition; PRX-Related Disorders.
Inborn genetic diseases. Identifiers: MedGen C0950123, MeSH D030342.
Tip-toe gait. Also called: Toe walking. Identifiers: MedGen C0427144, HP:0030051.

Allele frequency attached by ClinVar (database versions not stated): 1000 Genomes Project 30x 0.00016; ESP Exome Variant Server 0.00072; gnomAD exomes 0.00094; TOPMed 0.00107; gnomAD 0.00108.

Submissions (16):

CeGaT Center for Human Genetics Tuebingen
Classification: Likely benign. Last evaluated: 2026-03-01. Review status: criteria provided, single submitter. Criteria: CeGaT Center For Human Genetics Tuebingen Variant Classification Criteria Version 2. Collection method: clinical testing. Allele origin: germline. Affected: yes. Observed: 10 variant alleles.
Comment: PRX: BP1

Labcorp Genetics (formerly Invitae), Labcorp
Classification: Likely benign for Charcot-Marie-Tooth disease type 4. Last evaluated: 2025-12-23. Review status: criteria provided, single submitter. Criteria: Invitae Variant Classification Sherloc (09022015). Collection method: clinical testing. Allele origin: germline.

Ambry Genetics
Classification: Uncertain significance for Inborn genetic diseases. Last evaluated: 2025-11-20. Review status: criteria provided, single submitter. Criteria: Ambry Variant Classification Scheme 2023. Collection method: clinical testing. Allele origin: germline.
Comment: The c.823C>A (p.L275I) alteration is located in exon 7 (coding exon 4) of the PRX gene. This alteration results from a C to A substitution at nucleotide position 823, causing the leucine (L) at amino acid position 275 to be replaced by an isoleucine (I). Based on data from gnomAD, the A allele has an overall frequency of 0.096% (167/173618) total alleles studied. The highest observed frequency was 0.22% (153/69546) of European (non-Finnish) alleles. Based on insufficient or conflicting evidence, the clinical significance of this alteration remains unclear.

Women's Health and Genetics/Laboratory Corporation of America, LabCorp
Classification: Likely benign. Last evaluated: 2025-09-05. Review status: criteria provided, single submitter. Criteria: LabCorp Variant Classification Summary - May 2015. Collection method: clinical testing. Allele origin: germline.
Comment: Variant summary: PRX c.823C>A (p.Leu275Ile) results in a conservative amino acid change in the encoded protein sequence. Algorithms developed to predict the effect of missense changes on protein structure and function all suggest that this variant is likely to be tolerated. The variant allele was found at a frequency of 0.00094 in 142232 control chromosomes, predominantly at a frequency of 0.0023 within the Non-Finnish European subpopulation in the gnomAD database. The observed variant frequency within Non-Finnish European control individuals in the gnomAD database exceeds the estimated maximal expected allele frequency for disease-causing variants in PRX. c.823C>A has been observed in individual(s) affected with Charcot-Marie-Tooth disease type 4F without strong evidence for causality (Hoyer_2014, Antoniadi_2015, Gonzaga-Jauregui_2015, Volodarsky_2021, Lauthov_2021). These report(s) do not provide unequivocal conclusions about association of the variant with Charcot-Marie-Tooth disease type 4F. To our knowledge, no experimental evidence demonstrating an impact on protein function has been reported. The following publications have been ascertained in the context of this evaluation (PMID: 26392352, 26257172, 25025039, 33875678, 32376792). ClinVar contains an entry for this variant (Variation ID: 216836). Based on the evidence outlined above, the variant was classified as likely benign.

Mayo Clinic Laboratories, Mayo Clinic
Classification: Likely benign. Last evaluated: 2025-03-03. Review status: criteria provided, single submitter. Criteria: ACMG Guidelines, 2015. Collection method: clinical testing. Allele origin: germline. Observed: 11 variant alleles.
Comment: BS1, BP4_moderate

Blueprint Genetics
Classification: Uncertain significance. Last evaluated: 2024-11-21. Review status: criteria provided, single submitter. Criteria: ACMG Guidelines, 2015. Collection method: clinical testing. Allele origin: germline.

Athena Diagnostics
Classification: Benign. Last evaluated: 2023-12-05. Review status: criteria provided, single submitter. Criteria: Athena Diagnostics Criteria. Collection method: clinical testing. Allele origin: unknown.

Practice for Gait Abnormalities, David Pomarino, Competency Network Toe Walking C/o Practice Pomarino
Classification: Uncertain significance for Tip-toe gait. Last evaluated: 2021-04-27. Review status: criteria provided, single submitter. Criteria: ACMG Guidelines, 2015. Collection method: clinical testing. Allele origin: unknown. Affected: yes.
Comment: Hereditary motor sensory neuropathy (HMSN), also known as Charcot-Marie-Tooth Disease (CMT), is the most commonly inherited peripheral polyneuropathy. It constitutes a group of inherited, progressive, motor and sensory peripheral nerve disorders with properties of demyelination, axonal degeneration, or both. It is classified by clinical characteristics, modes of inheritance, electrophysiologic features, metabolic defects, and specific gene markers. Our patients all walk on tiptoe, so they show similar symptoms. When we genetically test them with our toe walking panel, we find that around 90 per cent of them have a genetic variant that explains their toe walking. These can be assigned, for example, to the area of myopathies (such as variants of the COL6A3 gene), the area of hereditary neuropathies (such as variants of the KMT2C gene) or the area of metabolic diseases (such as variants of the PYGM gene). In a smaller group of patients with almost identical symptoms, no abnormality is found in the genes of our panel, but spastic paraplegia can be detected. In another small group of our toe walkers, no abnormalities can be detected in the genes analysed in our toe walking panel, nor do they suffer from spastic paraplegia, as is also the case with healthy children. In contrast to these, however, they show a tiptoe gait. These patients suffer from infantile cerebral palsy, in which toe walking can also be observed.

GeneDx
Classification: Likely benign. Last evaluated: 2020-09-22. Review status: criteria provided, single submitter. Criteria: GeneDx Variant Classification Process June 2021. Collection method: clinical testing. Allele origin: germline. Affected: yes.
Comment: This variant is associated with the following publications: (PMID: 25025039, 26257172, 26392352, 32376792)

ARUP Laboratories, Molecular Genetics and Genomics, ARUP Laboratories
Classification: Uncertain significance. Last evaluated: 2019-09-13. Review status: criteria provided, single submitter. Criteria: ARUP Molecular Germline Variant Investigation Process. Collection method: clinical testing. Allele origin: germline.
Comment: The PRX c.823C>A; p.Leu275Ile variant (rs200033507), is reported in the literature in individuals affected with Charcot-Marie-Tooth (CMT) disease or hereditary motor neuropathy, but did not segregate with disease in at least two families, suggesting the variant is not causative for disease (Antoniadi 2015, Hoyer 2014). This variant is reported as uncertain significance by multiple laboratories in ClinVar (Variation ID: 216836), and is found in the non-Finnish European population with an allele frequency of 0.22% (153/69,546 alleles) in the Genome Aggregation Database. The leucine at codon 275 is moderately conserved, and computational analyses (SIFT: tolerated, PolyPhen-2: probably damaging) predict conflicting effects of this variant on protein structure/function. Thus, based on available information, the clinical significance of the p.Leu275Ile variant cannot be determined with certainty. References: Antoniadi T et al. Application of targeted multi-gene panel testing for the diagnosis of inherited peripheral neuropathy provides a high diagnostic yield with unexpected phenotype-genotype variability. BMC Med Genet. 2015 Sep 21;16:84. Hoyer et al. Genetic diagnosis of Charcot-Marie-Tooth disease in a population by next-generation sequencing. Biomed Res Int. 2014 2014: 210401.

Illumina Laboratory Services, Illumina
Classification: Uncertain significance for Charcot-Marie-Tooth disease type 4F. Last evaluated: 2018-01-13. Review status: criteria provided, single submitter. Criteria: ICSL Variant Classification Criteria 13 December 2019. Collection method: clinical testing. Allele origin: germline.

Eurofins Ntd Llc (ga)
Classification: Uncertain significance. Last evaluated: 2017-08-24. Review status: criteria provided, single submitter. Criteria: EGL Classification Definitions 2015. Collection method: clinical testing. Allele origin: germline. Observed: 1 variant allele, 1 heterozygote.

Molecular Genetics Laboratory, London Health Sciences Centre
Classification: Likely benign for Charcot-Marie-Tooth disease. Review status: criteria provided, single submitter. Criteria: ACMG Guidelines, 2015. Collection method: clinical testing. Allele origin: germline. Affected: yes.

PreventionGenetics, part of Exact Sciences
Classification: Likely benign for PRX-related condition. Last evaluated: 2020-08-03. Review status: no assertion criteria provided. Collection method: clinical testing. Allele origin: germline. Not counted in ClinVar's aggregate classification.
Comment: This variant is classified as likely benign based on ACMG/AMP sequence variant interpretation guidelines (Richards et al. 2015 PMID: 25741868, with internal and published modifications).

Clinical Genetics, Academic Medical Center
Classification: Uncertain significance. Review status: no assertion criteria provided. Collection method: clinical testing. Allele origin: germline. Affected: yes. Study: VKGL Data-share Consensus. Not counted in ClinVar's aggregate classification.

Genome Diagnostics Laboratory, Amsterdam University Medical Center
Classification: Uncertain significance. Review status: no assertion criteria provided. Collection method: clinical testing. Allele origin: germline. Affected: yes. Study: VKGL Data-share Consensus. Not counted in ClinVar's aggregate classification.

Literature cited by the submitters: PubMed 26392352 (cited by Women's Health and Genetics/Laboratory Corporation of America, LabCorp and Athena Diagnostics); PubMed 32376792 (cited by Women's Health and Genetics/Laboratory Corporation of America, LabCorp); PubMed 33875678 (cited by Women's Health and Genetics/Laboratory Corporation of America, LabCorp); PubMed 25025039 (cited by Women's Health and Genetics/Laboratory Corporation of America, LabCorp and Athena Diagnostics); PubMed 26257172 (cited by Women's Health and Genetics/Laboratory Corporation of America, LabCorp and Athena Diagnostics); PubMed 37091313 (cited by Practice for Gait Abnormalities, David Pomarino, Competency Network Toe Walking C/o Practice Pomarino).

NM_181882.3(PRX):c.823C>A (p.Leu275Ile)

Gene: PRX (periaxin; minus strand). Cytogenetic location: 19q13.2.
Variant type: single nucleotide variant.
Coding change: c.823C>A on transcript NM_181882.3 (MANE Select); coding-DNA position 823, C replaced by A.
Protein change: p.Leu275Ile; replaces leucine 275 with isoleucine.
Molecular consequence: missense variant. On other transcripts: 3 prime UTR variant (1).
Genome position (GRCh38, 1-based): chr19:40,397,529, G>T on the plus strand (C>A on the coding strand, the complement: PRX is on the minus strand). VCF-style: chr19-40397529-G-T. GRCh37 (hg19) VCF-style: chr19-40903436-G-T.
Other names: c.*1028C>A (NM_020956.2); short protein forms L275I.
Identifiers: ClinVar variation 216836 (VCV000216836.81), dbSNP rs200033507, ClinGen allele CA335872.
Genomic context (GRCh38, chr19:40,397,529, plus strand): 5'-CCTGGGGGACCTGGATTCCCACGGCTGGGGCCTCCACAGCAGGCGGAGCCGGGGCTCCGA[G>T]CCCAAGGGTTGGCAGGTGGAGGGCAAAGCCACCAGCTGCCTCTGCTGAGGGGGCAGCCTT-3'
Protein context (NP_870998.2, residues 265-285): GFALHLPTLG[Leu275Ile]GAPAPPAVEA